The following is an entry in ClinVar:

NM_000057.4(BLM):c.1562C>T (p.Pro521Leu)

Gene: BLM (BLM RecQ like helicase; plus strand). Cytogenetic location: 15q26.1.
Variant type: single nucleotide variant.
Coding change: c.1562C>T on transcript NM_000057.4 (MANE Select); coding-DNA position 1562, C replaced by T.
Protein change: p.Pro521Leu; replaces proline 521 with leucine.
Molecular consequence: missense variant.
Genome position (GRCh38, 1-based): chr15:90,760,935, C>T. VCF-style: chr15-90760935-C-T. GRCh37 (hg19) VCF-style: chr15-91304165-C-T.
Other names: c.1562C>T, p.Pro521Leu (NM_001287246.2, NM_001287247.2); c.437C>T, p.Pro146Leu (NM_001287248.2); short protein forms P521L, P146L.
Identifiers: ClinVar variation 1775289 (VCV001775289.2), dbSNP rs1473790026, ClinGen allele CA393843336.

ClinVar aggregate classification (germline): Uncertain significance (1 of 4 stars; one submission).

Conditions:
Hereditary cancer-predisposing syndrome. Also called: Hereditary Cancer Syndrome; Hereditary neoplastic syndrome; Neoplastic Syndromes, Hereditary; Tumor predisposition. Identifiers: Orphanet 140162, MedGen C0027672, MeSH D009386, MONDO:0015356.

Allele frequency attached by ClinVar (database versions not stated): TOPMed below 0.00001; gnomAD 0.00001.
gnomAD v4.1: 1 of 1,613,798 alleles (0.000062%); no homozygotes.

Submission:

Ambry Genetics
Classification: Uncertain significance for Hereditary cancer-predisposing syndrome. Last evaluated: 2022-03-01. Review status: criteria provided, single submitter. Criteria: Ambry Variant Classification Scheme 2023. Collection method: clinical testing. Allele origin: germline.
Comment: The p.P521L variant (also known as c.1562C>T), located in coding exon 6 of the BLM gene, results from a C to T substitution at nucleotide position 1562. The proline at codon 521 is replaced by leucine, an amino acid with similar properties. This amino acid position is conserved. In addition, this alteration is predicted to be tolerated by in silico analysis. Since supporting evidence is limited at this time, the clinical significance of this alteration remains unclear.